The following is an entry in ClinVar:

NM_139076.3(ABRAXAS1):c.647A>G (p.Asn216Ser)

Gene: ABRAXAS1 (abraxas 1, BRCA1 A complex subunit; minus strand). Cytogenetic location: 4q21.23.
Variant type: single nucleotide variant.
Coding change: c.647A>G on transcript NM_139076.3 (MANE Select); coding-DNA position 647, A replaced by G.
Protein change: p.Asn216Ser; replaces asparagine 216 with serine.
Molecular consequence: missense variant.
Genome position (GRCh38, 1-based): chr4:83,467,488, T>C on the plus strand (A>G on the coding strand, the complement: ABRAXAS1 is on the minus strand). VCF-style: chr4-83467488-T-C. GRCh37 (hg19) VCF-style: chr4-84388641-T-C.
Other names: c.320A>G, p.Asn107Ser (NM_001345962.2); short protein forms N216S, N107S.
Identifiers: ClinVar variation 3798479 (VCV003798479.1).

ClinVar aggregate classification (germline): Uncertain significance (1 of 4 stars; one submission).

gnomAD v4.1: 3 of 1,566,334 alleles (0.00019%); highest among the groups gnomAD compares: Non-Finnish European, 0.00018%; no homozygotes.

Submission:

Ambry Genetics
Classification: Uncertain significance. Last evaluated: 2024-12-14. Review status: criteria provided, single submitter. Criteria: Ambry Variant Classification Scheme 2023. Collection method: clinical testing. Allele origin: germline.
Comment: The p.N216S variant (also known as c.647A>G), located in coding exon 7 of the FAM175A gene, results from an A to G substitution at nucleotide position 647. The asparagine at codon 216 is replaced by serine, an amino acid with highly similar properties. This amino acid position is conserved. In addition, this alteration is predicted to be tolerated by in silico analysis. Based on the available evidence, the clinical significance of this variant remains unclear.